The following is an entry in ClinVar:

NM_001037.5(SCN1B):c.388G>A (p.Glu130Lys)

Gene: SCN1B (sodium voltage-gated channel beta subunit 1; plus strand). Cytogenetic location: 19q13.11.
Variant type: single nucleotide variant.
Coding change: c.388G>A on transcript NM_001037.5 (MANE Select); coding-DNA position 388, G replaced by A.
Protein change: p.Glu130Lys; replaces glutamic acid 130 with lysine.
Molecular consequence: missense variant.
Genome position (GRCh38, 1-based): chr19:35,033,679, G>A. VCF-style: chr19-35033679-G-A. GRCh37 (hg19) VCF-style: chr19-35524583-G-A.
Other names: c.289G>A, p.Glu97Lys (NM_001321605.2); c.388G>A, p.Glu130Lys (NM_199037.5); short protein forms E97K, E130K.
Identifiers: ClinVar variation 864391 (VCV000864391.11), dbSNP rs1351632820, ClinGen allele CA405328925.

ClinVar aggregate classification (germline): Uncertain significance (1 of 4 stars; one submission).

Conditions:
Generalized epilepsy with febrile seizures plus, type 1 (GEFSP1). Also called: GEFS+, TYPE 1. Identifiers: Orphanet 36387, MedGen C1858672, MONDO:0011416, OMIM 604233.
Developmental and epileptic encephalopathy, 1 (DEE1). Also called: INFANTILE SPASM SYNDROME, X-LINKED 1; X-linked infantile spasms; West's syndrome; Tonic spasms with clustering, arrest of psychomotor development and hypsarrhythmia on EEG; X-Linked Infantile Spasm Syndrome; OHTAHARA SYNDROME, X-LINKED. Identifiers: MedGen C3463992, MONDO:0010632, OMIM 308350. Disease mechanism: loss of function.
Brugada syndrome 5 (BRGDA5). Identifiers: Orphanet 130, Orphanet 871, MedGen C2748541, MONDO:0013015, OMIM 612838.
Atrial fibrillation, familial, 1. Also called: ATFB1; ATRIAL FIBRILLATION, AUTOSOMAL DOMINANT. Identifiers: MedGen C1843687, MONDO:0012066, OMIM 608583.

Allele frequency attached by ClinVar (database versions not stated): gnomAD exomes below 0.00001; TOPMed below 0.00001; gnomAD 0.00001.

Submission:

Labcorp Genetics (formerly Invitae), Labcorp
Classification: Uncertain significance for Brugada syndrome 5. Last evaluated: 2024-04-02. Review status: criteria provided, single submitter. Criteria: Invitae Variant Classification Sherloc (09022015). Collection method: clinical testing. Allele origin: germline.
Comment: This sequence change replaces glutamic acid, which is acidic and polar, with lysine, which is basic and polar, at codon 130 of the SCN1B protein (p.Glu130Lys). This variant is present in population databases (no rsID available, gnomAD 0.0009%). This variant has not been reported in the literature in individuals affected with SCN1B-related conditions. ClinVar contains an entry for this variant (Variation ID: 864391). An algorithm developed to predict the effect of missense changes on protein structure and function (PolyPhen-2) suggests that this variant is likely to be tolerated. In summary, the available evidence is currently insufficient to determine the role of this variant in disease. Therefore, it has been classified as a Variant of Uncertain Significance.